The following is an entry in ClinVar:

ClinVar aggregate classification (germline): Uncertain significance. Review status: criteria provided, multiple submitters, no conflicts (2 of 4 stars). 3 submissions from 3 submitters: Uncertain significance (3). Last evaluated 2024-04-10.

Conditions:
Inborn genetic diseases. Identifiers: MedGen C0950123, MeSH D030342.
Vici syndrome (VICIS). Identifiers: Orphanet 1493, MedGen C1855772, MONDO:0009452, OMIM 242840.

Allele frequency attached by ClinVar (database versions not stated): TOPMed below 0.00001; ExAC 0.00001; gnomAD 0.00001; gnomAD exomes 0.00001.
gnomAD v4.1: 10 of 1,613,202 alleles (0.00062%); highest among the groups gnomAD compares: Admixed American, 0.0067%; no homozygotes.

Submissions (3):

Labcorp Genetics (formerly Invitae), Labcorp
Classification: Uncertain significance for Vici syndrome. Last evaluated: 2024-04-10. Review status: criteria provided, single submitter. Criteria: Invitae Variant Classification Sherloc (09022015). Collection method: clinical testing. Allele origin: germline.
Comment: This sequence change replaces isoleucine, which is neutral and non-polar, with valine, which is neutral and non-polar, at codon 1331 of the EPG5 protein (p.Ile1331Val). This variant is present in population databases (rs775284965, gnomAD 0.007%). This variant has not been reported in the literature in individuals affected with EPG5-related conditions. ClinVar contains an entry for this variant (Variation ID: 377147). Advanced modeling of protein sequence and biophysical properties (such as structural, functional, and spatial information, amino acid conservation, physicochemical variation, residue mobility, and thermodynamic stability) performed at Invitae indicates that this missense variant is not expected to disrupt EPG5 protein function with a negative predictive value of 80%. In summary, the available evidence is currently insufficient to determine the role of this variant in disease. Therefore, it has been classified as a Variant of Uncertain Significance.

Ambry Genetics
Classification: Uncertain significance for Inborn genetic diseases. Last evaluated: 2021-05-10. Review status: criteria provided, single submitter. Criteria: Ambry Variant Classification Scheme 2023. Collection method: clinical testing. Allele origin: germline.

Center for Pediatric Genomic Medicine, Children's Mercy Hospital and Clinics
Classification: Uncertain significance. Last evaluated: 2016-09-20. Review status: criteria provided, single submitter. Criteria: ACMG Guidelines, 2015. Collection method: clinical testing. Allele origin: germline.
ClinVar note: Converted during submission from Uncertain Significance to Uncertain significance.

NM_020964.3(EPG5):c.3991A>G (p.Ile1331Val)

Gene: EPG5 (ectopic P-granules 5 autophagy tethering factor; minus strand). Cytogenetic location: 18q21.1.
Variant type: single nucleotide variant.
Coding change: c.3991A>G on transcript NM_020964.3 (MANE Select); coding-DNA position 3991, A replaced by G.
Protein change: p.Ile1331Val; replaces isoleucine 1331 with valine.
Molecular consequence: missense variant.
Genome position (GRCh38, 1-based): chr18:45,910,735, T>C on the plus strand (A>G on the coding strand, the complement: EPG5 is on the minus strand). VCF-style: chr18-45910735-T-C. GRCh37 (hg19) VCF-style: chr18-43490700-T-C.
Other names: c.3991A>G, p.Ile1331Val (LRG_1234t1); c.3991A>G (NM_020964.2); short protein forms I1331V.
Identifiers: ClinVar variation 377147 (VCV000377147.9), dbSNP rs775284965, ClinGen allele CA8949003.
Genomic context (GRCh38, chr18:45,910,735, plus strand): 5'-CTTTCAACAAATTGATATGAGCAGGACTTTGAAAAAACCTTCTTCCAATACAACCATCTA[T>C]GGGTAACCTTAAAAAACACAAGCACAGATCTATAACCTTTCAACACAAGATGTACTTTCT-3'
Protein context (NP_066015.2, residues 1321-1341): HRPGPQYGLP[Ile1331Val]DGCIGRRFFQ